The following is an entry in ClinVar:

NM_002907.4(RECQL):c.493A>G (p.Ser165Gly)

Gene: RECQL (RecQ like helicase; minus strand). Cytogenetic location: 12p12.1.
Variant type: single nucleotide variant.
Coding change: c.493A>G on transcript NM_002907.4 (MANE Select); coding-DNA position 493, A replaced by G.
Protein change: p.Ser165Gly; replaces serine 165 with glycine.
Molecular consequence: missense variant.
Genome position (GRCh38, 1-based): chr12:21,486,487, T>C on the plus strand (A>G on the coding strand, the complement: RECQL is on the minus strand). VCF-style: chr12-21486487-T-C. GRCh37 (hg19) VCF-style: chr12-21639421-T-C.
Other names: c.493A>G, p.Ser165Gly (NM_032941.3); short protein forms S165G.
Identifiers: ClinVar variation 1744247 (VCV001744247.2), dbSNP rs73082680, ClinGen allele CA384129853.

ClinVar aggregate classification (germline): Uncertain significance (1 of 4 stars; one submission).

Submission:

Ambry Genetics
Classification: Uncertain significance. Last evaluated: 2022-10-03. Review status: criteria provided, single submitter. Criteria: Ambry Variant Classification Scheme 2023. Collection method: clinical testing. Allele origin: germline.
Comment: The p.S165G variant (also known as c.493A>G), located in coding exon 4 of the RECQL gene, results from an A to G substitution at nucleotide position 493. The serine at codon 165 is replaced by glycine, an amino acid with similar properties. This amino acid position is conserved. In addition, the in silico prediction for this alteration is inconclusive. Since supporting evidence is limited at this time, the clinical significance of this alteration remains unclear.